The following is an entry in ClinVar:

ClinVar aggregate classification (germline): Uncertain significance (1 of 4 stars; one submission).

Allele frequency attached by ClinVar (database versions not stated): ExAC 0.00001; gnomAD 0.00001; gnomAD exomes 0.00001 and 0.00002; TOPMed 0.00002.
gnomAD v4.1: 19 of 1,614,062 alleles (0.0012%); highest among the groups gnomAD compares: Middle Eastern, 0.016%; no homozygotes.

Submission:

Labcorp Genetics (formerly Invitae), Labcorp
Classification: Uncertain significance. Last evaluated: 2022-11-21. Review status: criteria provided, single submitter. Criteria: Invitae Variant Classification Sherloc (09022015). Collection method: clinical testing. Allele origin: germline.
Comment: In summary, the available evidence is currently insufficient to determine the role of this variant in disease. Therefore, it has been classified as a Variant of Uncertain Significance. Algorithms developed to predict the effect of missense changes on protein structure and function output the following: SIFT: "Tolerated"; PolyPhen-2: "Benign"; Align-GVGD: "Class C0". The isoleucine amino acid residue is found in multiple mammalian species, which suggests that this missense change does not adversely affect protein function. ClinVar contains an entry for this variant (Variation ID: 1047824). This variant has not been reported in the literature in individuals affected with TRPM1-related conditions. This variant is present in population databases (rs771308316, gnomAD 0.009%). This sequence change replaces valine, which is neutral and non-polar, with isoleucine, which is neutral and non-polar, at codon 1441 of the TRPM1 protein (p.Val1441Ile).

NM_001252024.2(TRPM1):c.4387G>A (p.Val1463Ile)

Gene: TRPM1 (transient receptor potential cation channel subfamily M member 1; minus strand). Cytogenetic location: 15q13.3.
Variant type: single nucleotide variant.
Coding change: c.4387G>A on transcript NM_001252024.2 (MANE Select); coding-DNA position 4387, G replaced by A.
Protein change: p.Val1463Ile; replaces valine 1463 with isoleucine.
Molecular consequence: missense variant.
Genome position (GRCh38, 1-based): chr15:31,002,313, C>T on the plus strand (G>A on the coding strand, the complement: TRPM1 is on the minus strand). VCF-style: chr15-31002313-C-T. GRCh37 (hg19) VCF-style: chr15-31294516-C-T.
Other names: c.4438G>A, p.Val1480Ile (NM_001252020.2); c.4321G>A, p.Val1441Ile (NM_002420.6); short protein forms V1463I, V1480I, V1441I.
Identifiers: ClinVar variation 1047824 (VCV001047824.5), dbSNP rs771308316, ClinGen allele CA7451649.